The following is an entry in ClinVar:

ClinVar aggregate classification (germline): Conflicting classifications of pathogenicity. Review status: criteria provided, conflicting classifications (1 of 4 stars). 4 submissions from 4 submitters: Likely pathogenic (1); Uncertain significance (3). Last evaluated 2025-12-27.

Conditions:
Mucopolysaccharidosis, MPS-III-B (MPS3B). Also called: N-ACETYL-ALPHA-D-GLUCOSAMINIDASE DEFICIENCY; NAGLU DEFICIENCY; SANFILIPPO SYNDROME B; MPS III B; Mucopolysaccharidosis type IIIB (Sanfilippo B); MPS IIIB (Sanfilippo Syndrome Type B). Identifiers: Orphanet 79270, MedGen C0086648, MONDO:0009656, OMIM 252920.
Charcot-Marie-Tooth disease axonal type 2V. Also called: CHARCOT-MARIE-TOOTH NEUROPATHY, TYPE 2V; CHARCOT-MARIE-TOOTH DISEASE, AXONAL, AUTOSOMAL DOMINANT, TYPE 2V. Identifiers: Orphanet 447964, MedGen C5569050, MONDO:0014665, OMIM 616491.

Allele frequency attached by ClinVar (database versions not stated): gnomAD exomes 0.00002; TOPMed 0.00002; gnomAD 0.00003; ExAC 0.00001.
gnomAD v4.1: 37 of 1,613,680 alleles (0.0023%); highest among the groups gnomAD compares: Admixed American, 0.0033%; no homozygotes.

Submissions (4):

Myriad Genetics, Inc.
Classification: Uncertain significance for Mucopolysaccharidosis, MPS-III-B. Last evaluated: 2025-12-27. Review status: criteria provided, single submitter. Criteria: Myriad Autosomal Dominant, Autosomal Recessive and X-Linked Classification Criteria (2023). Collection method: clinical testing. Allele origin: unknown.
Comment: NM_000263.3(NAGLU):c.1291C>T(R431C) is a missense variant classified as a variant of uncertain significance in the context of mucopolysaccharidosis type IIIB. R431C has not been observed in cases with relevant disease. Relevant functional assessments of this variant are available in the literature (PMID: 29979746). R431C has been observed in referenced population frequency databases. In summary, there is insufficient evidence to classify NM_000263.3(NAGLU):c.1291C>T(R431C) as pathogenic or benign. Please note: this variant was assessed in the context of healthy population screening.

GeneDx
Classification: Likely pathogenic. Last evaluated: 2025-05-22. Review status: criteria provided, single submitter. Criteria: GeneDx Variant Classification Process June 2021. Collection method: clinical testing. Allele origin: germline. Affected: yes.
Comment: Published functional studies found this variant is associated with significantly reduced enzyme activity (PMID: 29979746); Not observed at significant frequency in large population cohorts (gnomAD); In silico analysis supports that this missense variant has a deleterious effect on protein structure/function; This variant is associated with the following publications: (PMID: 29979746)

Blueprint Genetics
Classification: Uncertain significance. Last evaluated: 2024-07-30. Review status: criteria provided, single submitter. Criteria: ACMG Guidelines, 2015. Collection method: clinical testing. Allele origin: germline.

Labcorp Genetics (formerly Invitae), Labcorp
Classification: Uncertain significance for Charcot-Marie-Tooth disease axonal type 2V; Mucopolysaccharidosis, MPS-III-B. Last evaluated: 2022-06-21. Review status: criteria provided, single submitter. Criteria: Invitae Variant Classification Sherloc (09022015). Collection method: clinical testing. Allele origin: germline.
Comment: This sequence change replaces arginine, which is basic and polar, with cysteine, which is neutral and slightly polar, at codon 431 of the NAGLU protein (p.Arg431Cys). This variant is present in population databases (rs759041924, gnomAD 0.003%). This variant has not been reported in the literature in individuals affected with NAGLU-related conditions. Advanced modeling of protein sequence and biophysical properties (such as structural, functional, and spatial information, amino acid conservation, physicochemical variation, residue mobility, and thermodynamic stability) performed at Invitae indicates that this missense variant is expected to disrupt NAGLU protein function. In summary, the available evidence is currently insufficient to determine the role of this variant in disease. Therefore, it has been classified as a Variant of Uncertain Significance.

Literature cited by the submitters: PubMed 29979746 (cited by Myriad Genetics, Inc.).

NM_000263.4(NAGLU):c.1291C>T (p.Arg431Cys)

Gene: NAGLU (N-acetyl-alpha-glucosaminidase; plus strand). Cytogenetic location: 17q21.2.
Variant type: single nucleotide variant.
Coding change: c.1291C>T on transcript NM_000263.4 (MANE Select); coding-DNA position 1291, C replaced by T.
Protein change: p.Arg431Cys; replaces arginine 431 with cysteine.
Molecular consequence: missense variant.
Genome position (GRCh38, 1-based): chr17:42,543,297, C>T. VCF-style: chr17-42543297-C-T. GRCh37 (hg19) VCF-style: chr17-40695315-C-T.
Other names: c.1291C>T (NM_000263.3); short protein forms R431C.
Identifiers: ClinVar variation 2048154 (VCV002048154.4), dbSNP rs759041924, ClinGen allele CA8576992.
Genomic context (GRCh38, chr17:42,543,297, plus strand): 5'-GGGGGAAACCATGGTCTTTTTGGAGCCCTAGAGGCTGTGAACGGAGGCCCAGAAGCTGCC[C>T]GCCTCTTCCCCAACTCCACCATGGTAGGCACGGGCATGGCCCCCGAGGGCATCAGCCAGA-3'
Protein context (NP_000254.2, residues 421-441): EAVNGGPEAA[Arg431Cys]LFPNSTMVGT